The following is an entry in ClinVar:

NM_018136.5(ASPM):c.1450A>G (p.Asn484Asp)

Gene: ASPM (assembly factor for spindle microtubules; minus strand). Cytogenetic location: 1q31.3.
Variant type: single nucleotide variant.
Coding change: c.1450A>G on transcript NM_018136.5 (MANE Select); coding-DNA position 1450, A replaced by G.
Protein change: p.Asn484Asp; replaces asparagine 484 with aspartic acid.
Molecular consequence: missense variant.
Genome position (GRCh38, 1-based): chr1:197,142,802, T>C on the plus strand (A>G on the coding strand, the complement: ASPM is on the minus strand). VCF-style: chr1-197142802-T-C. GRCh37 (hg19) VCF-style: chr1-197111932-T-C.
Other names: c.1450A>G, p.Asn484Asp (NM_001206846.2); short protein forms N484D.
Identifiers: ClinVar variation 2980056 (VCV002980056.3), dbSNP rs761394270, ClinGen allele CA1310709.

ClinVar aggregate classification (germline): Uncertain significance (1 of 4 stars; one submission).

Allele frequency attached by ClinVar (database versions not stated): gnomAD 0.00001; gnomAD exomes 0.00001; TOPMed 0.00003; ExAC 0.00005.
gnomAD v4.1: 19 of 1,613,618 alleles (0.0012%); highest among the groups gnomAD compares: East Asian, 0.04%; no homozygotes.

Submission:

Labcorp Genetics (formerly Invitae), Labcorp
Classification: Uncertain significance. Last evaluated: 2023-11-24. Review status: criteria provided, single submitter. Criteria: Invitae Variant Classification Sherloc (09022015). Collection method: clinical testing. Allele origin: germline.
Comment: This sequence change replaces asparagine, which is neutral and polar, with aspartic acid, which is acidic and polar, at codon 484 of the ASPM protein (p.Asn484Asp). The frequency data for this variant in the population databases is considered unreliable, as metrics indicate poor data quality at this position in the gnomAD database. This variant has not been reported in the literature in individuals affected with ASPM-related conditions. Advanced modeling of protein sequence and biophysical properties (such as structural, functional, and spatial information, amino acid conservation, physicochemical variation, residue mobility, and thermodynamic stability) performed at Invitae indicates that this missense variant is not expected to disrupt ASPM protein function with a negative predictive value of 80%. In summary, the available evidence is currently insufficient to determine the role of this variant in disease. Therefore, it has been classified as a Variant of Uncertain Significance.